The following is an entry in ClinVar:

NM_002386.4(MC1R):c.497C>G (p.Ala166Gly)

Gene: MC1R (melanocortin 1 receptor; plus strand). Cytogenetic location: 16q24.3.
Variant type: single nucleotide variant.
Coding change: c.497C>G on transcript NM_002386.4 (MANE Select); coding-DNA position 497, C replaced by G.
Protein change: p.Ala166Gly; replaces alanine 166 with glycine.
Molecular consequence: missense variant.
Genome position (GRCh38, 1-based): chr16:89,919,755, C>G. VCF-style: chr16-89919755-C-G. GRCh37 (hg19) VCF-style: chr16-89986163-C-G.
Other names: short protein forms A166G.
Identifiers: ClinVar variation 413851 (VCV000413851.15), dbSNP rs35040147, ClinGen allele CA8255626.
Genomic context (GRCh38, chr16:89,919,755, plus strand): 5'-TCTTCTACGCACTGCGCTACCACAGCATCGTGACCCTGCCGCGGGCGCGGCGAGCCGTTG[C>G]GGCCATCTGGGTGGCCAGTGTCGTCTTCAGCACGCTCTTCATCGCCTACTACGACCACGT-3'
Protein context (NP_002377.4, residues 156-176): VTLPRARRAV[Ala166Gly]AIWVASVVFS

ClinVar aggregate classification (germline): Benign/Likely benign. Review status: criteria provided, multiple submitters, no conflicts (2 of 4 stars). 2 submissions from 2 submitters: Benign (1); Likely benign (1). Last evaluated 2026-01-02.

Conditions:
Melanoma, cutaneous malignant, susceptibility to, 5. Also called: Cutaneous malignant melanoma 5. Identifiers: Orphanet 618, MedGen C2751295, MONDO:0013133, OMIM 613099.

Allele frequency attached by ClinVar (database versions not stated): gnomAD 0.00013; TOPMed 0.00020; 1000 Genomes Project 30x 0.00062; 1000 Genomes Project 0.00080.

Submissions (2):

Labcorp Genetics (formerly Invitae), Labcorp
Classification: Likely benign for Melanoma, cutaneous malignant, susceptibility to, 5. Last evaluated: 2026-01-02. Review status: criteria provided, single submitter. Criteria: Invitae Variant Classification Sherloc (09022015). Collection method: clinical testing. Allele origin: germline.

Illumina Laboratory Services, Illumina
Classification: Benign for Melanoma, cutaneous malignant, susceptibility to, 5. Last evaluated: 2018-01-12. Review status: criteria provided, single submitter. Criteria: ICSL Variant Classification Criteria 13 December 2019. Collection method: clinical testing. Allele origin: germline.
Comment: This variant was observed in the ICSL laboratory as part of a predisposition screen in an ostensibly healthy population. It had not been previously curated by ICSL or reported in the Human Gene Mutation Database (HGMD: prior to June 1st, 2018), and was therefore a candidate for classification through an automated scoring system. Utilizing variant allele frequency, disease prevalence and penetrance estimates, and inheritance mode, an automated score was calculated to assess if this variant is too frequent to cause the disease. Based on the score and internal cut-off values, a variant classified as benign is not then subjected to further curation. The score for this variant resulted in a classification of benign for this disease.